The following is an entry in ClinVar:

NM_000133.4(F9):c.1325G>C (p.Gly442Ala)

Gene: F9 (coagulation factor IX; plus strand). Cytogenetic location: Xq27.1.
Variant type: single nucleotide variant.
Coding change: c.1325G>C on transcript NM_000133.4 (MANE Select); coding-DNA position 1325, G replaced by C.
Protein change: p.Gly442Ala; replaces glycine 442 with alanine.
Molecular consequence: missense variant.
Genome position (GRCh38, 1-based): chrX:139,562,010, G>C. VCF-style: chrX-139562010-G-C. GRCh37 (hg19) VCF-style: chrX-138644169-G-C.
Other names: NM_001313913.2:c.1211G>C; c.1211G>C, p.Gly404Ala (NM_001313913.2); short protein forms G404A, G442A.
Identifiers: ClinVar variation 3242383 (VCV003242383.1), dbSNP rs1603267474.

ClinVar aggregate classification (germline): Likely pathogenic (3 of 4 stars; one submission).

Conditions:
Hereditary factor IX deficiency disease (HEMB). Also called: F9 DEFICIENCY; FACTOR IX DEFICIENCY; PLASMA THROMBOPLASTIN COMPONENT DEFICIENCY; Hemophilia B; Christmas Disease. Identifiers: Orphanet 98879, MedGen C0008533, MeSH D002836, MONDO:0010604, OMIM 306900.

Submission:

ClinGen Coagulation Factor Deficiency Variant Curation Expert Panel, Clingen
Classification: Likely pathogenic for Hereditary factor IX deficiency disease. Last evaluated: 2024-05-09. Review status: reviewed by expert panel. Criteria: ClinGen CoagFactor ACMG Specifications F9 V1.0.0. Collection method: curation. Allele origin: germline. Inheritance: X-linked inheritance.
Comment: The c.1325G>C (NM_000133.4) variant in F9 is a missense variant predicted to cause substitution of Glycine by Alanine at amino acid 442 (p.Gly442Ala). This variant has been reported in at least 4 probands meeting the hemophilia B phenotype criteria specified by the Coagulation Factor Deficiency VCEP (PS4_Moderate; PMID: 7937052, poster, internal laboratory data). This variant is absent from gnomAD v2.1.1 and v3.1.1 (PM2_Supporting). The computational predictor REVEL gives a score of 0.884, which is above the threshold of 0.6, evidence that correlates with impact to F9 function (PP3). Another missense variant c.1234G>A, p.Gly442Arg in the same codon has been classified as pathogenic for hemophilia B by the ClinGen Coagulation Factor Deficiency VCEP (PM5). In summary, this variant meets the criteria to be classified as Likely Pathogenic for X-linked recessive hemophilia B based on the ACMG/AMP criteria applied, as specified by the ClinGen Coagulation Factor Deficiency VCEP: PS4, PM5, PP3, PM2_Supporting. (ClinGen Coagulation Factor Deficiency Expert Panel Specifications to the ACMG/AMP Variant Interpretation Guidelines for F9 Version 1.0.0., Released 10/5/2023)